The following is an entry in ClinVar:

NM_001124758.3(SPNS2):c.969G>A (p.Ser323=)

Gene: SPNS2 (SPNS lysolipid transporter 2, sphingosine-1-phosphate; plus strand). Cytogenetic location: 17p13.2.
Variant type: single nucleotide variant.
Coding change: c.969G>A on transcript NM_001124758.3 (MANE Select); coding-DNA position 969, G replaced by A.
Protein change: p.Ser323=; no amino-acid change (serine 323 retained).
Molecular consequence: synonymous variant.
Genome position (GRCh38, 1-based): chr17:4,533,010, G>A. VCF-style: chr17-4533010-G-A. GRCh37 (hg19) VCF-style: chr17-4436305-G-A.
Identifiers: ClinVar variation 4977968 (VCV004977968.1).

ClinVar aggregate classification (germline): Likely benign (1 of 4 stars; one submission).

Conditions:
SPNS2-related disorder. Also called: SPNS2-related condition.

gnomAD v4.1: 44 of 1,613,234 alleles (0.0027%); highest among the groups gnomAD compares: South Asian, 0.02%; no homozygotes.

Submission:

PreventionGenetics, part of Exact Sciences
Classification: Likely benign for SPNS2-related condition. Last evaluated: 2026-08-03. Review status: criteria provided, single submitter. Criteria: ACMG Guidelines, 2015. Collection method: clinical testing. Allele origin: germline.
Comment: This variant is classified as likely benign based on ACMG/AMP sequence variant interpretation guidelines (Richards et al. 2015 PMID: 25741868, with internal and published modifications).